The following is an entry in ClinVar:

NM_006231.4(POLE):c.321G>A (p.Ala107=)

Gene: POLE (DNA polymerase epsilon, catalytic subunit; minus strand). Cytogenetic location: 12q24.33.
Variant type: single nucleotide variant.
Coding change: c.321G>A on transcript NM_006231.4 (MANE Select); coding-DNA position 321, G replaced by A.
Protein change: p.Ala107=; no amino-acid change (alanine 107 retained).
Molecular consequence: synonymous variant.
Genome position (GRCh38, 1-based): chr12:132,680,187, C>T on the plus strand (G>A on the coding strand, the complement: POLE is on the minus strand). VCF-style: chr12-132680187-C-T. GRCh37 (hg19) VCF-style: chr12-133256773-C-T.
Identifiers: ClinVar variation 385349 (VCV000385349.24), dbSNP rs752370920, ClinGen allele CA6894363.
Genomic context (GRCh38, chr12:132,680,187, plus strand): 5'-CCACAGAATGACACACAGGTCGTCTGACCTGAGTCTATGAAACACACTCACCTTTCTGGT[C>T]GCAATGTAGAAATACGGTTTATAGGGCAAAGCCACCTGTTAAGAGTCACCAACCCATCCA-3'
Protein context (NP_006222.2, residues 97-117): ALPYKPYFYI[Ala107=]TRKGCEREVS

ClinVar aggregate classification (germline): Likely benign. Review status: criteria provided, multiple submitters, no conflicts (2 of 4 stars). 7 submissions from 7 submitters: Likely benign (6). 1 of the submissions does not count toward it. Last evaluated 2026-01-27.

Conditions:
POLE-related disorder. Also called: POLE-related disorders; POLE-related condition.
Colorectal cancer, susceptibility to, 12 (CRCS12). Also called: COLORECTAL CANCER, SUSCEPTIBILITY TO, ON CHROMOSOME 12q24. Identifiers: Orphanet 220460, MedGen C3554460, MONDO:0014038, OMIM 615083.
Facial dysmorphism-immunodeficiency-livedo-short stature syndrome. Also called: Facial dysmorphism, immunodeficiency, livedo, and short stature; FILS syndrome. Identifiers: Orphanet 352712, MedGen C3554576, MONDO:0014058, OMIM 615139.
Intrauterine growth retardation, metaphyseal dysplasia, adrenal hypoplasia congenita, genital anomalies, and immunodeficiency. Also called: IMAGEI SYNDROME. Identifiers: MedGen C5193036, MONDO:0032684, OMIM 618336.
Hereditary cancer-predisposing syndrome. Also called: Tumor predisposition; Neoplastic Syndromes, Hereditary; Hereditary neoplastic syndrome; Hereditary Cancer Syndrome. Identifiers: Orphanet 140162, MedGen C0027672, MeSH D009386, MONDO:0015356.

Allele frequency attached by ClinVar (database versions not stated): gnomAD 0.00001; TOPMed 0.00001; ExAC 0.00004; gnomAD exomes 0.00005.
gnomAD v4.1: 73 of 1,613,954 alleles (0.0045%); highest among the groups gnomAD compares: Middle Eastern, 0.016%; no homozygotes.

Submissions (7):

Labcorp Genetics (formerly Invitae), Labcorp
Classification: Likely benign. Last evaluated: 2026-01-27. Review status: criteria provided, single submitter. Criteria: Invitae Variant Classification Sherloc (09022015). Collection method: clinical testing. Allele origin: germline.

Blueprint Genetics
Classification: Likely benign. Last evaluated: 2024-04-25. Review status: criteria provided, single submitter. Criteria: ACMG Guidelines, 2015. Collection method: clinical testing. Allele origin: germline.

Department of Pathology and Laboratory Medicine, Sinai Health System
Classification: Likely benign for Colorectal cancer, susceptibility to, 12; Facial dysmorphism-immunodeficiency-livedo-short stature syndrome; Intrauterine growth retardation, metaphyseal dysplasia, adrenal hypoplasia congenita, genital anomalies, and immunodeficiency. Last evaluated: 2023-02-15. Review status: criteria provided, single submitter. Criteria: ACMG Guidelines, 2015. Collection method: clinical testing. Allele origin: germline. Affected: yes.

GeneDx
Classification: Likely benign. Last evaluated: 2019-11-20. Review status: criteria provided, single submitter. Criteria: GeneDx Variant Classification Process June 2021. Collection method: clinical testing. Allele origin: germline. Affected: yes.

Quest Diagnostics Nichols Institute San Juan Capistrano
Classification: Likely benign. Last evaluated: 2019-10-31. Review status: criteria provided, single submitter. Criteria: Quest Diagnostics criteria. Collection method: clinical testing. Allele origin: unknown.

Ambry Genetics
Classification: Likely benign for Hereditary cancer-predisposing syndrome. Last evaluated: 2016-03-28. Review status: criteria provided, single submitter. Criteria: Ambry Variant Classification Scheme 2023. Collection method: clinical testing. Allele origin: germline.

PreventionGenetics, part of Exact Sciences
Classification: Likely benign for POLE-related condition. Last evaluated: 2020-10-09. Review status: no assertion criteria provided. Collection method: clinical testing. Allele origin: germline. Not counted in ClinVar's aggregate classification.
Comment: This variant is classified as likely benign based on ACMG/AMP sequence variant interpretation guidelines (Richards et al. 2015 PMID: 25741868, with internal and published modifications).